The following is an entry in ClinVar:

NM_198506.5(LRIT3):c.1730A>G (p.Asp577Gly)

Gene: LRIT3 (leucine rich repeat, Ig-like and transmembrane domains 3; plus strand). Cytogenetic location: 4q25.
Variant type: single nucleotide variant.
Coding change: c.1730A>G on transcript NM_198506.5 (MANE Select); coding-DNA position 1730, A replaced by G.
Protein change: p.Asp577Gly; replaces aspartic acid 577 with glycine.
Molecular consequence: missense variant.
Genome position (GRCh38, 1-based): chr4:109,870,479, A>G. VCF-style: chr4-109870479-A-G. GRCh37 (hg19) VCF-style: chr4-110791635-A-G.
Other names: short protein forms D577G.
Identifiers: ClinVar variation 1056532 (VCV001056532.5), dbSNP rs750087262, ClinGen allele CA103712562.

ClinVar aggregate classification (germline): Uncertain significance (1 of 4 stars; one submission).

Allele frequency attached by ClinVar (database versions not stated): gnomAD exomes below 0.00001 and 0.00001.
gnomAD v4.1: 10 of 1,614,214 alleles (0.00062%); highest among the groups gnomAD compares: Non-Finnish European, 0.00085%; no homozygotes.

Submission:

Labcorp Genetics (formerly Invitae), Labcorp
Classification: Uncertain significance. Last evaluated: 2023-08-04. Review status: criteria provided, single submitter. Criteria: Invitae Variant Classification Sherloc (09022015). Collection method: clinical testing. Allele origin: germline.
Comment: This sequence change replaces aspartic acid, which is acidic and polar, with glycine, which is neutral and non-polar, at codon 577 of the LRIT3 protein (p.Asp577Gly). In summary, the available evidence is currently insufficient to determine the role of this variant in disease. Therefore, it has been classified as a Variant of Uncertain Significance. Algorithms developed to predict the effect of missense changes on protein structure and function output the following: SIFT: "Not Available"; PolyPhen-2: "Benign"; Align-GVGD: "Not Available". The glycine amino acid residue is found in multiple mammalian species, which suggests that this missense change does not adversely affect protein function. ClinVar contains an entry for this variant (Variation ID: 1056532). This variant has not been reported in the literature in individuals affected with LRIT3-related conditions. This variant is present in population databases (rs750087262, gnomAD 0.0009%).